The following is an entry in ClinVar:

NM_000754.4(COMT):c.1-5T>C

Gene: COMT (catechol-O-methyltransferase; plus strand). Cytogenetic location: 22q11.21.
Variant type: single nucleotide variant.
Coding change: c.1-5T>C on transcript NM_000754.4 (MANE Select); 5 bases into the intron before coding-DNA position 1, T replaced by C.
Molecular consequence: intron variant. On other transcripts: 5 prime UTR variant (1).
Genome position (GRCh38, 1-based): chr22:19,962,522, T>C. VCF-style: chr22-19962522-T-C. GRCh37 (hg19) VCF-style: chr22-19950045-T-C.
Other names: c.-5T>C (NM_001362828.2); c.1-5T>C (NM_001135161.2, NM_001135162.2).
Identifiers: ClinVar variation 3046825 (VCV003046825.2), dbSNP rs1601526844, ClinGen allele CA1024175319.

ClinVar aggregate classification (germline): Likely benign (0 of 4 stars; one submission).

Conditions:
COMT-related disorder. Also called: COMT-related condition.

Submission:

PreventionGenetics, part of Exact Sciences
Classification: Likely benign for COMT-related condition. Last evaluated: 2019-03-13. Review status: no assertion criteria provided. Collection method: clinical testing. Allele origin: germline.
Comment: This variant is classified as likely benign based on ACMG/AMP sequence variant interpretation guidelines (Richards et al. 2015 PMID: 25741868, with internal and published modifications).